The following is an entry in ClinVar:

ClinVar aggregate classification (germline): Uncertain significance (1 of 4 stars; one submission).

Conditions:
SLC16A2-related disorder. Also called: SLC16A2-related condition.

Submission:

PreventionGenetics, part of Exact Sciences
Classification: Uncertain significance for SLC16A2-related condition. Last evaluated: 2026-01-22. Review status: criteria provided, single submitter. Criteria: ACMG Guidelines, 2015. Collection method: clinical testing. Allele origin: germline.
Comment: The SLC16A2 c.1492C>T variant is predicted to result in the amino acid substitution p.Pro498Ser. To our knowledge, this variant has not been reported in the literature or in a large population database (gnomAD), indicating this variant is rare. At this time, the clinical significance of this variant is uncertain due to the absence of conclusive functional and genetic evidence.

NM_006517.5(SLC16A2):c.1492C>T (p.Pro498Ser)

Gene: SLC16A2 (solute carrier family 16 member 2; plus strand). Cytogenetic location: Xq13.2.
Variant type: single nucleotide variant.
Coding change: c.1492C>T on transcript NM_006517.5 (MANE Select); coding-DNA position 1492, C replaced by T.
Protein change: p.Pro498Ser; replaces proline 498 with serine.
Molecular consequence: missense variant.
Genome position (GRCh38, 1-based): chrX:74,531,425, C>T. VCF-style: chrX-74531425-C-T. GRCh37 (hg19) VCF-style: chrX-73751260-C-T.
Other names: short protein forms P498S.
Identifiers: ClinVar variation 4993324 (VCV004993324.1).
Genomic context (GRCh38, chrX:74,531,425, plus strand): 5'-GTGGCCTTCTACTTTGCCGGTGTGCCCCCCATCATCGGGGCTGTAATCCTCTTCTTCGTC[C>T]CTCTGATGCATCAAAGGATGTTCAAGAAAGAGCAGAGAGATTCCAGCAAGGATAAGATGT-3'
Protein context (NP_006508.2, residues 488-508): IIGAVILFFV[Pro498Ser]LMHQRMFKKE